The following is an entry in ClinVar:

NM_001256789.3(CACNA1F):c.1102C>T (p.Leu368Phe)

Gene: CACNA1F (calcium voltage-gated channel subunit alpha1 F; minus strand). Cytogenetic location: Xp11.23.
Variant type: single nucleotide variant.
Coding change: c.1102C>T on transcript NM_001256789.3 (MANE Select); coding-DNA position 1102, C replaced by T.
Protein change: p.Leu368Phe; replaces leucine 368 with phenylalanine.
Molecular consequence: missense variant.
Genome position (GRCh38, 1-based): chrX:49,228,052, G>A on the plus strand (C>T on the coding strand, the complement: CACNA1F is on the minus strand). VCF-style: chrX-49228052-G-A. GRCh37 (hg19) VCF-style: chrX-49084514-G-A.
Other names: c.907C>T, p.Leu303Phe (NM_001256790.3); c.1102C>T, p.Leu368Phe (NM_005183.4); short protein forms L303F, L368F.
Identifiers: ClinVar variation 2899946 (VCV002899946.3), dbSNP rs781910077, ClinGen allele CA10410955.

ClinVar aggregate classification (germline): Uncertain significance (1 of 4 stars; one submission).

Allele frequency attached by ClinVar (database versions not stated): gnomAD exomes below 0.00001; ExAC 0.00001; gnomAD 0.00002; TOPMed 0.00003.

Submission:

Labcorp Genetics (formerly Invitae), Labcorp
Classification: Uncertain significance. Last evaluated: 2025-07-31. Review status: criteria provided, single submitter. Criteria: Invitae Variant Classification Sherloc (09022015). Collection method: clinical testing. Allele origin: germline.
Comment: This sequence change replaces leucine, which is neutral and non-polar, with phenylalanine, which is neutral and non-polar, at codon 368 of the CACNA1F protein (p.Leu368Phe). This variant is present in population databases (rs781910077, gnomAD 0.02%). This variant has not been reported in the literature in individuals affected with CACNA1F-related conditions. ClinVar contains an entry for this variant (Variation ID: 2899946). Invitae Evidence Modeling of protein sequence and biophysical properties (such as structural, functional, and spatial information, amino acid conservation, physicochemical variation, residue mobility, and thermodynamic stability) indicates that this missense variant is expected to disrupt CACNA1F protein function with a positive predictive value of 80%. In summary, the available evidence is currently insufficient to determine the role of this variant in disease. Therefore, it has been classified as a Variant of Uncertain Significance.